The following is an entry in ClinVar:

NM_000321.3(RB1):c.2164A>T (p.Lys722Ter)

Gene: RB1 (RB transcriptional corepressor 1; plus strand). Cytogenetic location: 13q14.2.
Variant type: single nucleotide variant.
Coding change: c.2164A>T on transcript NM_000321.3 (MANE Select); coding-DNA position 2164, A replaced by T.
Protein change: p.Lys722Ter; replaces lysine 722 with a stop codon.
Molecular consequence: nonsense.
Genome position (GRCh38, 1-based): chr13:48,463,788, A>T. VCF-style: chr13-48463788-A-T. GRCh37 (hg19) VCF-style: chr13-49037924-A-T.
Other names: L11910:g.160787A>T; short protein forms K722*.
Identifiers: ClinVar variation 126796 (VCV000126796.5), dbSNP rs587778849, ClinGen allele CA026424.
Genomic context (GRCh38, chr13:48,463,788, plus strand): 5'-TAGATTATGATGTGTTCCATGTATGGCATATGCAAAGTGAAGAATATAGACCTTAAATTC[A>T]AAATCATTGTAACAGCATACAAGGATCTTCCTCATGCTGTTCAGGAGGTAGGTAATTTTC-3'

ClinVar aggregate classification (germline): Pathogenic. Review status: criteria provided, single submitter (1 of 4 stars). 2 submissions from 2 submitters: Pathogenic (1). 1 of the submissions does not count toward it. Last evaluated 2018-11-16.

Conditions:
Hereditary cancer-predisposing syndrome. Also called: Hereditary Cancer Syndrome; Hereditary neoplastic syndrome; Tumor predisposition; Neoplastic Syndromes, Hereditary. Identifiers: Orphanet 140162, MedGen C0027672, MeSH D009386, MONDO:0015356.
Retinoblastoma (RB1). Also called: RETINOBLASTOMA, SOMATIC. Identifiers: Orphanet 790, MedGen C0035335, MeSH D012175, MONDO:0008380, OMIM 180200, HP:0009919. Disease mechanism: loss of function. Inheritance: Both sporadic and heritable forms are tested..

Submissions (2):

Ambry Genetics
Classification: Pathogenic for Hereditary cancer-predisposing syndrome. Last evaluated: 2018-11-16. Review status: criteria provided, single submitter. Criteria: Ambry Variant Classification Scheme 2023. Collection method: clinical testing. Allele origin: germline.
Comment: The p.K722* pathogenic mutation (also known as c.2164A>T), located in coding exon 21 of the RB1 gene, results from an A to T substitution at nucleotide position 2164. This alteration has been previously reported in an individual with retinoblastoma (Richter S et al. Am. J. Hum. Genet., 2003 Feb;72:253-69).This changes the amino acid from a lysine to a stop codon within coding exon 21. This alteration is expected to result in loss of function by premature protein truncation or nonsense-mediated mRNA decay. As such, this alteration is interpreted as a disease-causing mutation.

Genetic Diagnostic Laboratory, University of Pennsylvania School of Medicine
Classification: Pathogenic for Retinoblastoma. Last evaluated: 2013-09-16. Review status: no assertion criteria provided. Collection method: clinical testing. Allele origin: somatic. Affected: yes. Not counted in ClinVar's aggregate classification.

Literature cited by the submitters: PubMed 12541220 (cited by Ambry Genetics).